The following is an entry in ClinVar:

NM_001166108.2(PALLD):c.539C>T (p.Thr180Ile)

Gene: PALLD (palladin, cytoskeletal associated protein; plus strand). Cytogenetic location: 4q32.3.
Variant type: single nucleotide variant.
Coding change: c.539C>T on transcript NM_001166108.2 (MANE Select); coding-DNA position 539, C replaced by T.
Protein change: p.Thr180Ile; replaces threonine 180 with isoleucine.
Molecular consequence: missense variant.
Genome position (GRCh38, 1-based): chr4:168,512,043, C>T. VCF-style: chr4-168512043-C-T. GRCh37 (hg19) VCF-style: chr4-169433194-C-T.
Other names: p.T180I:ACA>ATA; c.539C>T, p.Thr180Ile (NM_016081.4); short protein forms T180I.
Identifiers: ClinVar variation 128111 (VCV000128111.10), dbSNP rs146387060, ClinGen allele CA288373.

ClinVar aggregate classification (germline): Conflicting classifications of pathogenicity. Review status: criteria provided, conflicting classifications (1 of 4 stars). 4 submissions from 4 submitters: Uncertain significance (2); Likely benign (1). 1 of the submissions does not count toward it. Last evaluated 2022-09-26.

Conditions:
PALLD-related disorder. Also called: PALLD-related condition.
Pancreatic cancer, susceptibility to, 1. Identifiers: Orphanet 1333, MedGen C1847351, MONDO:0011739, OMIM 606856.

Allele frequency attached by ClinVar (database versions not stated): 1000 Genomes Project 30x 0.00031; gnomAD 0.00065 and 0.00071; TOPMed 0.00076; ESP Exome Variant Server 0.00085; 1000 Genomes Project 0.00020.
gnomAD v4.1: 158 of 1,614,214 alleles (0.0098%); highest among the groups gnomAD compares: African/African-American, 0.19%; 2 homozygotes.

Submissions (4):

Ambry Genetics
Classification: Uncertain significance. Last evaluated: 2022-09-26. Review status: criteria provided, single submitter. Criteria: Ambry Variant Classification Scheme 2023. Collection method: clinical testing. Allele origin: germline.
Comment: The p.T180I variant (also known as c.539C>T), located in coding exon 1 of the PALLD gene, results from a C to T substitution at nucleotide position 539. The threonine at codon 180 is replaced by isoleucine, an amino acid with similar properties. This amino acid position is conserved. In addition, this alteration is predicted to be tolerated by in silico analysis. Since supporting evidence is limited at this time, the clinical significance of this alteration remains unclear.

Illumina Laboratory Services, Illumina
Classification: Likely benign for Pancreatic cancer, susceptibility to, 1. Last evaluated: 2017-04-27. Review status: criteria provided, single submitter. Criteria: ICSL Variant Classification Criteria 13 December 2019. Collection method: clinical testing. Allele origin: germline.
Comment: This variant was observed as part of a predisposition screen in an ostensibly healthy population. A literature search was performed for the gene, cDNA change, and amino acid change (where applicable). No publications were found based on this search. Allele frequency data from public databases allowed determination this variant is unlikely to cause disease. Therefore, this variant is classified as likely benign.

GeneDx
Classification: Uncertain significance. Last evaluated: 2014-02-25. Review status: criteria provided, single submitter. Criteria: GeneDx Variant Classification (06012015). Collection method: clinical testing. Allele origin: germline. Affected: yes.
Comment: This variant is denoted PALLD c.539C>T at the cDNA level, p.Thr180Ile (T180I) at the protein level, and results in the change of a Threonine to an Isoleucine (ACA>ATA). This variant has not, to our knowledge, been published in the literature as pathogenic or benign. PALLD Thr180Ile was observed with an allele frequency of 0.2% (11/4406) in African Americans in the NHLBI Exome Sequencing Project. Since Threonine and Isoleucine differ in polarity, charge, size or other properties, this is considered a non-conservative amino acid substitution and is likely to affect protein integrity. PALLD Thr180Ile occurs at a position that is well conserved across species and is not located in a known functional domain. In silico analyses are inconsistent regarding the effect this variant may have on protein structure and function. On a molecular level, the impact of this missense variant on protein structure and function is not known and thus we consider this to be a variant of uncertain significance. Furthermore, based on the currently available information, cancer risks associated with this variant, and the PALLD gene, remain unclear.

PreventionGenetics, part of Exact Sciences
Classification: Likely benign for PALLD-related condition. Last evaluated: 2019-06-21. Review status: no assertion criteria provided. Collection method: clinical testing. Allele origin: germline. Not counted in ClinVar's aggregate classification.
Comment: This variant is classified as likely benign based on ACMG/AMP sequence variant interpretation guidelines (Richards et al. 2015 PMID: 25741868, with internal and published modifications).